The following is an entry in ClinVar:

ClinVar aggregate classification (germline): Uncertain significance. Review status: criteria provided, multiple submitters, no conflicts (2 of 4 stars). 3 submissions from 3 submitters: Uncertain significance (3). Last evaluated 2025-02-17.

Conditions:
DNAH8-related disorder. Also called: DNAH8-related condition.
Primary ciliary dyskinesia. Also called: Ciliary dyskinesia. Identifiers: Orphanet 244, MedGen C0008780, MONDO:0016575, HP:0012265.

Allele frequency attached by ClinVar (database versions not stated): ExAC 0.00002; gnomAD exomes 0.00002; TOPMed 0.00008.
gnomAD v4.1: 85 of 1,587,562 alleles (0.0054%); highest among the groups gnomAD compares: African/African-American, 0.062%; 5 homozygotes.

Submissions (3):

Labcorp Genetics (formerly Invitae), Labcorp
Classification: Uncertain significance for Primary ciliary dyskinesia. Last evaluated: 2025-02-17. Review status: criteria provided, single submitter. Criteria: Invitae Variant Classification Sherloc (09022015). Collection method: clinical testing. Allele origin: germline.
Comment: This sequence change replaces asparagine, which is neutral and polar, with threonine, which is neutral and polar, at codon 336 of the DNAH8 protein (p.Asn336Thr). This variant is present in population databases (rs111566149, gnomAD 0.02%). This variant has not been reported in the literature in individuals affected with DNAH8-related conditions. ClinVar contains an entry for this variant (Variation ID: 836662). Experimental studies and prediction algorithms are not available or were not evaluated, and the functional significance of this variant is currently unknown. In summary, the available evidence is currently insufficient to determine the role of this variant in disease. Therefore, it has been classified as a Variant of Uncertain Significance.

PreventionGenetics, part of Exact Sciences
Classification: Uncertain significance for DNAH8-related condition. Last evaluated: 2022-12-05. Review status: criteria provided, single submitter. Criteria: ACMG Guidelines, 2015. Collection method: clinical testing. Allele origin: germline.
Comment: The DNAH8 c.1007A>C variant is predicted to result in the amino acid substitution p.Asn336Thr. To our knowledge, this variant has not been reported in the literature. This variant is reported in 0.018% of alleles in individuals of African descent in gnomAD. At this time, the clinical significance of this variant is uncertain due to the absence of conclusive functional and genetic evidence.

Ambry Genetics
Classification: Uncertain significance. Last evaluated: 2021-09-15. Review status: criteria provided, single submitter. Criteria: Ambry Variant Classification Scheme 2023. Collection method: clinical testing. Allele origin: germline.

NM_001206927.2(DNAH8):c.1007A>C (p.Asn336Thr)

Gene: DNAH8 (dynein axonemal heavy chain 8; plus strand). Cytogenetic location: 6p21.2.
Variant type: single nucleotide variant.
Coding change: c.1007A>C on transcript NM_001206927.2 (MANE Select); coding-DNA position 1007, A replaced by C.
Protein change: p.Asn336Thr; replaces asparagine 336 with threonine.
Molecular consequence: missense variant.
Genome position (GRCh38, 1-based): chr6:38,737,863, A>C. VCF-style: chr6-38737863-A-C. GRCh37 (hg19) VCF-style: chr6-38705639-A-C.
Other names: c.356A>C, p.Asn119Thr (NM_001371.4); short protein forms N119T, N336T.
Identifiers: ClinVar variation 836662 (VCV000836662.19), dbSNP rs111566149, ClinGen allele CA3788107.